The following is an entry in ClinVar:

NM_015047.3(EMC1):c.2674G>T (p.Glu892Ter)

Genes: EMC1 (ER membrane protein complex subunit 1; minus strand), EMC1-AS1 (EMC1 antisense RNA 1; plus strand). Cytogenetic location: 1p36.13.
Variant type: single nucleotide variant.
Coding change: c.2674G>T on transcript NM_015047.3 (MANE Select); coding-DNA position 2674, G replaced by T.
Protein change: p.Glu892Ter; replaces glutamic acid 892 with a stop codon.
Molecular consequence: nonsense.
Genome position (GRCh38, 1-based): chr1:19,219,697, C>A on the plus strand (G>T on the coding strand, the complement: EMC1 is on the minus strand). VCF-style: chr1-19219697-C-A. GRCh37 (hg19) VCF-style: chr1-19546191-C-A.
Other names: c.2671G>T, p.Glu891Ter (NM_001271427.2, NM_001271428.2); c.2608G>T, p.Glu870Ter (NM_001271429.2); c.2683G>T, p.Glu895Ter (NM_001375820.1); c.2680G>T, p.Glu894Ter (NM_001375821.1); short protein forms E870*, E891*, E892*, E894*, E895*.
Identifiers: ClinVar variation 1324328 (VCV001324328.6), dbSNP rs1258131141, ClinGen allele CA338750706.

ClinVar aggregate classification (germline): Likely pathogenic. Review status: criteria provided, multiple submitters, no conflicts (2 of 4 stars). 2 submissions from 2 submitters: Likely pathogenic (2). Last evaluated 2021-10-19.

Conditions:
Cerebellar atrophy, visual impairment, and psychomotor retardation;. Also called: Cerebellar atrophy, visual impairment, and psychomotor retardation. Identifiers: MedGen C4225172, MONDO:0014811, OMIM 616875.

Allele frequency attached by ClinVar (database versions not stated): gnomAD exomes below 0.00001 and 0.00001; gnomAD 0.00001.

Submissions (2):

Revvity Omics, Revvity
Classification: Likely pathogenic for Cerebellar atrophy, visual impairment, and psychomotor retardation;. Last evaluated: 2021-10-19. Review status: criteria provided, single submitter. Criteria: ACMG Guidelines, 2015. Collection method: clinical testing. Allele origin: germline.

Juno Genomics, Hangzhou Juno Genomics, Inc
Classification: Likely pathogenic for Cerebellar atrophy, visual impairment, and psychomotor retardation;. Review status: criteria provided, single submitter. Criteria: ACMG Guidelines, 2015. Collection method: clinical testing. Allele origin: germline.
Comment: Null variant in a gene where loss of function (LOF) is a known mechanism of disease.;Absent from controls (or at extremely low frequency if recessive) in Genome Aggregation Database.